The following is an entry in ClinVar:

NM_006030.4(CACNA2D2):c.1340-2A>G

Gene: CACNA2D2 (calcium voltage-gated channel auxiliary subunit alpha2delta 2; minus strand). Cytogenetic location: 3p21.31.
Variant type: single nucleotide variant.
Coding change: c.1340-2A>G on transcript NM_006030.4 (MANE Select); the canonical splice acceptor site of the intron before coding-DNA position 1340, A replaced by G.
Molecular consequence: splice acceptor variant.
Genome position (GRCh38, 1-based): chr3:50,378,335, T>C on the plus strand (A>G on the coding strand, the complement: CACNA2D2 is on the minus strand). VCF-style: chr3-50378335-T-C. GRCh37 (hg19) VCF-style: chr3-50415766-T-C.
Other names: c.1133-2A>G (NM_001291101.1); c.1340-2A>G (NM_001005505.3, NM_001410768.1, NM_001174051.3).
Identifiers: ClinVar variation 1067073 (VCV001067073.6), dbSNP rs2106654236, ClinGen allele CA352930680.

ClinVar aggregate classification (germline): Likely pathogenic (1 of 4 stars; one submission).

Conditions:
Early-infantile DEE. Also called: Ohtahara syndrome; Early infantile epileptic encephalopathy with suppression bursts; Early infantile epileptic encephalopathy. Identifiers: Orphanet 1934, MedGen C0393706, MONDO:0800491.

Submission:

Labcorp Genetics (formerly Invitae), Labcorp
Classification: Likely pathogenic for Early-infantile DEE. Last evaluated: 2023-09-15. Review status: criteria provided, single submitter. Criteria: Invitae Variant Classification Sherloc (09022015). Collection method: clinical testing. Allele origin: germline.
Comment: Algorithms developed to predict the effect of sequence changes on RNA splicing suggest that this variant may disrupt the consensus splice site. In summary, the currently available evidence indicates that the variant is pathogenic, but additional data are needed to prove that conclusively. Therefore, this variant has been classified as Likely Pathogenic. ClinVar contains an entry for this variant (Variation ID: 1067073). This variant has not been reported in the literature in individuals affected with CACNA2D2-related conditions. This variant is not present in population databases (gnomAD no frequency). This sequence change affects an acceptor splice site in intron 13 of the CACNA2D2 gene. It is expected to disrupt RNA splicing. Variants that disrupt the donor or acceptor splice site typically lead to a loss of protein function (PMID: 16199547), and loss-of-function variants in CACNA2D2 are known to be pathogenic (PMID: 24358150).

Literature cited by the submitters: PubMed 16199547; PubMed 24358150.